The following is an entry in ClinVar:

NM_001365276.2(TNXB):c.4552G>C (p.Val1518Leu)

Gene: TNXB (tenascin XB; minus strand). Cytogenetic location: 6p21.33.
Variant type: single nucleotide variant.
Coding change: c.4552G>C on transcript NM_001365276.2 (MANE Select); coding-DNA position 4552, G replaced by C.
Protein change: p.Val1518Leu; replaces valine 1518 with leucine.
Molecular consequence: missense variant.
Genome position (GRCh38, 1-based): chr6:32,073,776, C>G on the plus strand (G>C on the coding strand, the complement: TNXB is on the minus strand). VCF-style: chr6-32073776-C-G. GRCh37 (hg19) VCF-style: chr6-32041553-C-G.
Other names: c.4552G>C, p.Val1518Leu (NM_019105.8); short protein forms V1518L.
Identifiers: ClinVar variation 1208949 (VCV001208949.10), dbSNP rs376280627, ClinGen allele CA3734931.

ClinVar aggregate classification (germline): Uncertain significance. Review status: criteria provided, multiple submitters, no conflicts (2 of 4 stars). 3 submissions from 3 submitters: Uncertain significance (3). Last evaluated 2026-03-13.

Conditions:
Cardiovascular phenotype. Identifiers: MedGen CN230736.

Allele frequency attached by ClinVar (database versions not stated): gnomAD 0.00001; gnomAD exomes 0.00001 and 0.00002; ExAC 0.00002; TOPMed 0.00002; ESP Exome Variant Server 0.00013.
gnomAD v4.1: 14 of 1,612,260 alleles (0.00087%); highest among the groups gnomAD compares: Admixed American, 0.005%; no homozygotes.

Submissions (3):

Women's Health and Genetics/Laboratory Corporation of America, LabCorp
Classification: Uncertain significance. Last evaluated: 2026-03-13. Review status: criteria provided, single submitter. Criteria: LabCorp Variant Classification Summary - May 2015. Collection method: clinical testing. Allele origin: germline.
Comment: Variant summary: TNXB c.4552G>C (p.Val1518Leu) results in a conservative amino acid change in the encoded protein sequence. Algorithms developed to predict the effect of missense changes on protein structure and function all suggest that this variant is likely to be tolerated. The variant allele was found at a frequency of 2.5e-05 in 243864 control chromosomes. The available data on variant occurrences in the general population are insufficient to allow any conclusion about variant significance. To our knowledge, no occurrence of c.4552G>C in individuals affected with TNXB-related conditions and no experimental evidence demonstrating its impact on protein function have been reported. ClinVar contains an entry for this variant (Variation ID: 1208949). Based on the evidence outlined above, the variant was classified as uncertain significance.

GeneDx
Classification: Uncertain significance. Last evaluated: 2026-01-22. Review status: criteria provided, single submitter. Criteria: GeneDx Variant Classification Process June 2021. Collection method: clinical testing. Allele origin: germline. Affected: yes.
Comment: Has not been previously published as pathogenic or benign to our knowledge; In silico analysis suggests that this missense variant does not alter protein structure/function

Ambry Genetics
Classification: Uncertain significance for Cardiovascular phenotype. Last evaluated: 2024-10-14. Review status: criteria provided, single submitter. Criteria: Ambry Variant Classification Scheme 2023. Collection method: clinical testing. Allele origin: germline.
Comment: The p.V1518L variant (also known as c.4552G>C), located in coding exon 11 of the TNXB gene, results from a G to C substitution at nucleotide position 4552. The valine at codon 1518 is replaced by leucine, an amino acid with highly similar properties. This amino acid position is conserved. In addition, this alteration is predicted to be tolerated by in silico analysis. Since supporting evidence is limited at this time, the clinical significance of this alteration remains unclear.